The following is an entry in ClinVar:

ClinVar aggregate classification (germline): Pathogenic (1 of 4 stars; one submission).

Conditions:
Hereditary diffuse gastric adenocarcinoma (HDGC). Also called: DIFFUSE GASTRIC AND LOBULAR BREAST CANCER SYNDROME. Identifiers: Orphanet 26106, MedGen C1708349, MONDO:0007648, OMIM 137215.

Submission:

Myriad Genetics, Inc.
Classification: Pathogenic for Hereditary diffuse gastric adenocarcinoma. Last evaluated: 2023-06-09. Review status: criteria provided, single submitter. Criteria: Myriad Autosomal Dominant, Autosomal Recessive and X-Linked Classification Criteria (2023). Collection method: clinical testing. Allele origin: unknown.
Comment: This variant is considered pathogenic. This variant creates a termination codon and is predicted to result in premature protein truncation.

NM_004360.5(CDH1):c.640del (p.Trp213_Leu214insTer)

Gene: CDH1 (cadherin 1; plus strand). Cytogenetic location: 16q22.1.
Variant type: Deletion.
Coding change: c.640del on transcript NM_004360.5 (MANE Select); coding-DNA position 640, one base deleted (C; older notation c.640delC).
Protein change: p.Trp213_Leu214insTer.
Molecular consequence: nonsense. On other transcripts: 5 prime UTR variant (2).
Genome position (GRCh38, 1-based): chr16:68,808,801, C deleted. VCF-style (leftmost placement, unchanged base first): chr16-68808800-GC-G. GRCh37 (hg19) VCF-style: chr16-68842703-GC-G.
Other names: c.640del, p.Trp213_Leu214insTer (NM_001317184.2); c.-976del (NM_001317185.2); c.-1180del (NM_001317186.2).
Identifiers: ClinVar variation 2583342 (VCV002583342.2), dbSNP rs2543916249, ClinGen allele CA2582342580.